The following is an entry in ClinVar:

ClinVar aggregate classification (germline): Uncertain significance (1 of 4 stars; one submission).

Conditions:
Emery-Dreifuss muscular dystrophy 5, autosomal dominant (EDMD5). Also called: EMERY-DREIFUSS MUSCULAR DYSTROPHY 5. Identifiers: Orphanet 261, MedGen C2751805, MONDO:0013072, OMIM 612999.

Allele frequency attached by ClinVar (database versions not stated): gnomAD exomes 0.00002 and 0.00008; gnomAD 0.00004; TOPMed 0.00005; ExAC 0.00008.
gnomAD v4.1: 41 of 1,613,788 alleles (0.0025%); highest among the groups gnomAD compares: Admixed American, 0.045%; no homozygotes.

Submission:

Labcorp Genetics (formerly Invitae), Labcorp
Classification: Uncertain significance for Emery-Dreifuss muscular dystrophy 5, autosomal dominant. Last evaluated: 2025-03-20. Review status: criteria provided, single submitter. Criteria: Invitae Variant Classification Sherloc (09022015). Collection method: clinical testing. Allele origin: germline.
Comment: This sequence change replaces threonine, which is neutral and polar, with serine, which is neutral and polar, at codon 1808 of the SYNE2 protein (p.Thr1808Ser). This variant is present in population databases (rs780659094, gnomAD 0.05%), and has an allele count higher than expected for a pathogenic variant. This variant has not been reported in the literature in individuals affected with SYNE2-related conditions. ClinVar contains an entry for this variant (Variation ID: 846871). An algorithm developed to predict the effect of missense changes on protein structure and function (PolyPhen-2) suggests that this variant is likely to be disruptive. In summary, the available evidence is currently insufficient to determine the role of this variant in disease. Therefore, it has been classified as a Variant of Uncertain Significance.

NM_182914.3(SYNE2):c.5423C>G (p.Thr1808Ser)

Gene: SYNE2 (spectrin repeat containing nuclear envelope protein 2; plus strand). Cytogenetic location: 14q23.2.
Variant type: single nucleotide variant.
Coding change: c.5423C>G on transcript NM_182914.3 (MANE Select); coding-DNA position 5423, C replaced by G.
Protein change: p.Thr1808Ser; replaces threonine 1808 with serine.
Molecular consequence: missense variant.
Genome position (GRCh38, 1-based): chr14:64,021,927, C>G. VCF-style: chr14-64021927-C-G. GRCh37 (hg19) VCF-style: chr14-64488645-C-G.
Other names: c.5423C>G, p.Thr1808Ser (NM_015180.6); short protein forms T1808S.
Identifiers: ClinVar variation 846871 (VCV000846871.7), dbSNP rs780659094, ClinGen allele CA7220460.